The following is an entry in ClinVar:

NM_021961.6(TEAD1):c.1112A>G (p.His371Arg)

Gene: TEAD1 (TEA domain transcription factor 1; plus strand). Cytogenetic location: 11p15.3.
Variant type: single nucleotide variant.
Coding change: c.1112A>G on transcript NM_021961.6 (MANE Select); coding-DNA position 1112, A replaced by G.
Protein change: p.His371Arg; replaces histidine 371 with arginine.
Molecular consequence: missense variant.
Genome position (GRCh38, 1-based): chr11:12,930,271, A>G. VCF-style: chr11-12930271-A-G. GRCh37 (hg19) VCF-style: chr11-12951818-A-G.
Other names: short protein forms H371R.
Identifiers: ClinVar variation 2037601 (VCV002037601.4), dbSNP rs1948989999, ClinGen allele CA379709939.
Genomic context (GRCh38, chr11:12,930,271, plus strand): 5'-ACCGAATAAACCGCTCCCCAATGTGTGAATATATGATCAACTTCATCCACAAGCTCAAAC[A>G]CTTACCAGAGAAATATATGATGAACAGTGTTTTGGAAAACTTCACAATTTTATTGGTAAT-3'
Protein context (NP_068780.2, residues 361-381): YMINFIHKLK[His371Arg]LPEKYMMNSV

ClinVar aggregate classification (germline): Uncertain significance (1 of 4 stars; one submission).

Allele frequency attached by ClinVar (database versions not stated): gnomAD 0.00001; TOPMed 0.00001.
gnomAD v4.1: 2 of 1,614,138 alleles (0.00012%); highest among the groups gnomAD compares: African/African-American, 0.0013%; no homozygotes.

Submission:

Labcorp Genetics (formerly Invitae), Labcorp
Classification: Uncertain significance. Last evaluated: 2022-07-26. Review status: criteria provided, single submitter. Criteria: Invitae Variant Classification Sherloc (09022015). Collection method: clinical testing. Allele origin: germline.
Comment: This variant is not present in population databases (gnomAD no frequency). In summary, the available evidence is currently insufficient to determine the role of this variant in disease. Therefore, it has been classified as a Variant of Uncertain Significance. Algorithms developed to predict the effect of missense changes on protein structure and function (SIFT, PolyPhen-2, Align-GVGD) all suggest that this variant is likely to be tolerated. This variant has not been reported in the literature in individuals affected with TEAD1-related conditions. This sequence change replaces histidine, which is basic and polar, with arginine, which is basic and polar, at codon 371 of the TEAD1 protein (p.His371Arg).